The following is an entry in ClinVar:

NM_172107.2(KCNQ2):c.1248-?_(*455_?)del

Genes: KCNQ2 (potassium voltage-gated channel subfamily Q member 2; minus strand), LOC125387319 (Sharpr-MPRA regulatory region 327; plus strand). Cytogenetic location: 20q13.33.
Variant type: Deletion.
Coding change: c.1248-?_(*455_?)del on transcript NM_172107.2.
Identifiers: ClinVar variation 369792 (VCV000369792.2).

ClinVar aggregate classification (germline): not provided (0 of 4 stars; one submission).

Conditions:
Seizures, benign familial neonatal, 1. Also called: KCNQ2-Related Benign Familial Neonatal Epilepsy; Benign Neonatal Epilepsy 1; KCNQ2-Related Self-Limited Familial Neonatal Epilepsy (SLFNE); Seizures, benign neonatal, 1. Identifiers: Orphanet 1949, MedGen C3149074, MONDO:0007365, OMIM 121200.

Submission:

GeneReviews
No classification provided. Condition: Seizures, benign familial neonatal, 1. Review status: no classification provided. Collection method: literature only. Allele origin: germline. Affected: yes.
Comment: BFNE (benign familial neonatal epilepsy)

Literature cited by the submitters: PubMed 24375629; NCBI Bookshelf NBK32534.